The following is an entry in ClinVar:

NM_001365088.1(SLC12A6):c.1837A>T (p.Ser613Cys)

Gene: SLC12A6 (solute carrier family 12 member 6; minus strand). Cytogenetic location: 15q14.
Variant type: single nucleotide variant.
Coding change: c.1837A>T on transcript NM_001365088.1 (MANE Select); coding-DNA position 1837, A replaced by T.
Protein change: p.Ser613Cys; replaces serine 613 with cysteine.
Molecular consequence: missense variant.
Genome position (GRCh38, 1-based): chr15:34,245,391, T>A on the plus strand (A>T on the coding strand, the complement: SLC12A6 is on the minus strand). VCF-style: chr15-34245391-T-A. GRCh37 (hg19) VCF-style: chr15-34537592-T-A.
Other names: c.1660A>T, p.Ser554Cys (NM_001042494.2, NM_001042495.2); c.1810A>T, p.Ser604Cys (NM_001042496.2); c.1792A>T, p.Ser598Cys (NM_001042497.2); c.1684A>T, p.Ser562Cys (NM_005135.2); c.1837A>T, p.Ser613Cys (NM_133647.2); short protein forms S562C, S613C, S554C, S604C, S598C.
Identifiers: ClinVar variation 2834953 (VCV002834953.3), dbSNP rs2509780556, ClinGen allele CA391620918.

ClinVar aggregate classification (germline): Uncertain significance (1 of 4 stars; one submission).

Submission:

Labcorp Genetics (formerly Invitae), Labcorp
Classification: Uncertain significance. Last evaluated: 2023-02-06. Review status: criteria provided, single submitter. Criteria: Invitae Variant Classification Sherloc (09022015). Collection method: clinical testing. Allele origin: germline.
Comment: In summary, the available evidence is currently insufficient to determine the role of this variant in disease. Therefore, it has been classified as a Variant of Uncertain Significance. Advanced modeling of protein sequence and biophysical properties (such as structural, functional, and spatial information, amino acid conservation, physicochemical variation, residue mobility, and thermodynamic stability) has been performed at Invitae for this missense variant, however the output from this modeling did not meet the statistical confidence thresholds required to predict the impact of this variant on SLC12A6 protein function. This variant has not been reported in the literature in individuals affected with SLC12A6-related conditions. This variant is not present in population databases (gnomAD no frequency). This sequence change replaces serine, which is neutral and polar, with cysteine, which is neutral and slightly polar, at codon 613 of the SLC12A6 protein (p.Ser613Cys).